The following is an entry in ClinVar:

NM_003743.5(NCOA1):c.3304-3C>T

Gene: NCOA1 (nuclear receptor coactivator 1; plus strand). Cytogenetic location: 2p23.3.
Variant type: single nucleotide variant.
Coding change: c.3304-3C>T on transcript NM_003743.5 (MANE Select); 3 bases into the intron before coding-DNA position 3304, C replaced by T.
Molecular consequence: intron variant.
Genome position (GRCh38, 1-based): chr2:24,741,781, C>T. VCF-style: chr2-24741781-C-T. GRCh37 (hg19) VCF-style: chr2-24964650-C-T.
Other names: c.3304-3C>T (NM_001362950.1, NM_147223.3, NM_001362955.1 and 3 more transcripts).
Identifiers: ClinVar variation 3356295 (VCV003356295.1).
Genomic context (GRCh38, chr2:24,741,781, plus strand): 5'-AACTTTCCAGGATAGATAGTGATTATAATAATTTTAGTAAGTGAGTTTTTTCCTGCTTTT[C>T]AGCCACCCCTGAATGCTCAAATGTTGGCACAACGTCAGCGGGAACTGTACAGTCAACAGC-3'

ClinVar aggregate classification (germline): Likely benign (0 of 4 stars; one submission).

Conditions:
NCOA1-related disorder. Also called: NCOA1-related condition.

gnomAD v4.1: 19 of 1,597,372 alleles (0.0012%); highest among the groups gnomAD compares: South Asian, 0.0022%; no homozygotes.

Submission:

PreventionGenetics, part of Exact Sciences
Classification: Likely benign for NCOA1-related condition. Last evaluated: 2023-03-10. Review status: no assertion criteria provided. Collection method: clinical testing. Allele origin: germline.
Comment: This variant is classified as likely benign based on ACMG/AMP sequence variant interpretation guidelines (Richards et al. 2015 PMID: 25741868, with internal and published modifications).